The following is an entry in ClinVar:

ClinVar aggregate classification (germline): Conflicting classifications of pathogenicity. Review status: criteria provided, conflicting classifications (1 of 4 stars). 6 submissions from 5 submitters: Uncertain significance (4); Likely benign (2). Last evaluated 2026-03-18.

Conditions:
Cardiovascular phenotype. Identifiers: MedGen CN230736.
Familial hypobetalipoproteinemia 1. Also called: APOB-Related Familial Hypobetalipoproteinemia; Hypobetalipoproteinemia, normotriglyceridemic; Acanthocytosis with hypobetalipoproteinemia. Identifiers: MedGen C4551990, MONDO:0014252, OMIM 615558.
Hypercholesterolemia, familial, 1. Also called: LDL RECEPTOR DISORDER; Hyperlipoproteinemia Type IIa; HYPER-LOW-DENSITY-LIPOPROTEINEMIA; HYPERCHOLESTEROLEMIC XANTHOMATOSIS, FAMILIAL; Fredrickson type IIa hyperlipoproteinemia; Hyperlipoproteinemia type 2. Identifiers: Orphanet 391665, MedGen C0745103, MONDO:0007750, OMIM 143890.
Hypercholesterolemia, autosomal dominant, type B (FHCL2). Also called: APOB-Related Familial Hypercholesterolemia, Autosomal Dominant; APOLIPOPROTEIN B-100, FAMILIAL DEFECTIVE; APOLIPOPROTEIN B-100, FAMILIAL LIGAND-DEFECTIVE; Familial Hypercholesterolemia Type B; HYPERCHOLESTEROLEMIA, FAMILIAL, DUE TO LIGAND-DEFECTIVE APOLIPOPROTEIN B; Familial hypercholesterolemia 2. Identifiers: MedGen C1704417, MONDO:0007751, OMIM 144010.

Allele frequency attached by ClinVar (database versions not stated): TOPMed 0.00001.

Submissions (6):

GeneDx
Classification: Uncertain significance. Last evaluated: 2026-03-18. Review status: criteria provided, single submitter. Criteria: GeneDx Variant Classification Process June 2021. Collection method: clinical testing. Allele origin: germline.
Comment: Not observed at significant frequency in large population cohorts (gnomAD); In silico analysis suggests that this missense variant does not alter protein structure/function; Has not been previously published as pathogenic or benign to our knowledge

Ambry Genetics
Classification: Likely benign for Cardiovascular phenotype. Last evaluated: 2021-09-02. Review status: criteria provided, single submitter. Criteria: Ambry Variant Classification Scheme 2023. Collection method: clinical testing. Allele origin: germline.

Illumina Laboratory Services, Illumina
Classification: Uncertain significance for Hypercholesterolemia, autosomal dominant, type B. Last evaluated: 2018-01-13. Review status: criteria provided, single submitter. Criteria: ICSL Variant Classification Criteria 13 December 2019. Collection method: clinical testing. Allele origin: germline.

Illumina Laboratory Services, Illumina
Classification: Uncertain significance for Familial hypobetalipoproteinemia 1. Last evaluated: 2018-01-13. Review status: criteria provided, single submitter. Criteria: ICSL Variant Classification Criteria 13 December 2019. Collection method: clinical testing. Allele origin: germline.

Laboratory for Molecular Medicine, Mass General Brigham Personalized Medicine
Classification: Likely benign. Last evaluated: 2017-11-03. Review status: criteria provided, single submitter. Criteria: ACMG Guidelines, 2015. Collection method: clinical testing. Allele origin: germline.
Comment: p.Arg1164Lys variant in exon 22 of APOB: This variant is not expected to have clinical significance due to a lack of conservation across species, including mammals. Of note, 33 mammals have a lysine (Lys) at this position despite nearby amino acid conservation. In addition, computational prediction tools do not suggest a high likelihood of impact to the protein. ACMG/AMP Criteria applied: BP4_Strong.

Color Diagnostics, LLC DBA Color Health
Classification: Uncertain significance for Familial hypercholesterolemia. Last evaluated: 2017-10-28. Review status: criteria provided, single submitter. Criteria: ACMG Guidelines, 2015. Collection method: clinical testing. Allele origin: germline.
Comment: Variant of Uncertain Significance due to insufficient evidence: This variant (also known as p.Arg1137Lys in the mature protein) is a missense variant located in the beta 1 domain of the APOB protein. Computational prediction tools and conservation analyses suggest that this variant may not impact the protein function. Computational splicing tools suggest that this variant may not impact the RNA splicing. To our knowledge, functional assays have not been performed for this variant nor has the variant been reported in individuals affected with FH in the literature. This variant is very rare in the general population and absent in the Genome Aggregation Database (gnomAD).

NM_000384.3(APOB):c.3491G>A (p.Arg1164Lys)

Gene: APOB (apolipoprotein B; minus strand). Cytogenetic location: 2p24.1.
Variant type: single nucleotide variant.
Coding change: c.3491G>A on transcript NM_000384.3 (MANE Select); coding-DNA position 3491, G replaced by A.
Protein change: p.Arg1164Lys; replaces arginine 1164 with lysine.
Molecular consequence: missense variant.
Genome position (GRCh38, 1-based): chr2:21,015,387, C>T on the plus strand (G>A on the coding strand, the complement: APOB is on the minus strand). VCF-style: chr2-21015387-C-T. GRCh37 (hg19) VCF-style: chr2-21238259-C-T.
Other names: short protein forms R1164K.
Identifiers: ClinVar variation 490392 (VCV000490392.12), dbSNP rs759845943, ClinGen allele CA346008976.